The following is an entry in ClinVar:

ClinVar aggregate classification (germline): Uncertain significance (1 of 4 stars; one submission).

Submission:

Labcorp Genetics (formerly Invitae), Labcorp
Classification: Uncertain significance. Last evaluated: 2025-12-22. Review status: criteria provided, single submitter. Criteria: Invitae Variant Classification Sherloc (09022015). Collection method: clinical testing. Allele origin: germline.
Comment: This sequence change creates a premature translational stop signal (p.Trp652*) in the CDH2 gene. It is expected to result in an absent or disrupted protein product. However, the current clinical and genetic evidence is not sufficient to establish whether loss-of-function variants in CDH2 cause disease. This variant is not present in population databases (gnomAD no frequency). This variant has not been reported in the literature in individuals affected with CDH2-related conditions. In summary, the available evidence is currently insufficient to determine the role of this variant in disease. Therefore, it has been classified as a Variant of Uncertain Significance.

NM_001792.5(CDH2):c.1955G>A (p.Trp652Ter)

Gene: CDH2 (cadherin 2; minus strand). Cytogenetic location: 18q12.1.
Variant type: single nucleotide variant.
Coding change: c.1955G>A on transcript NM_001792.5 (MANE Select); coding-DNA position 1955, G replaced by A.
Protein change: p.Trp652Ter; replaces tryptophan 652 with a stop codon.
Molecular consequence: nonsense.
Genome position (GRCh38, 1-based): chr18:27,985,548, C>T on the plus strand (G>A on the coding strand, the complement: CDH2 is on the minus strand). VCF-style: chr18-27985548-C-T. GRCh37 (hg19) VCF-style: chr18-25565512-C-T.
Other names: c.1862G>A, p.Trp621Ter (NM_001308176.2); short protein forms W621*, W652*.
Identifiers: ClinVar variation 4711681 (VCV004711681.1).
Genomic context (GRCh38, chr18:27,985,548, plus strand): 5'-CTCAACTGCACATATATTCAAATAATTAACCTGTTCTTACCATTAAGCCGAGTGATGGTC[C>T]AATTTCTCTTAATAGTCACTGGAGATAAAGGAAGATCAAAAGCAAATGGTCCAGCATTTG-3'